The following is an entry in ClinVar:

NM_001172509.2(SATB2):c.701-2A>G

Gene: SATB2 (SATB homeobox 2; minus strand). Cytogenetic location: 2q33.1.
Variant type: single nucleotide variant.
Coding change: c.701-2A>G on transcript NM_001172509.2 (MANE Select); the canonical splice acceptor site of the intron before coding-DNA position 701, A replaced by G.
Molecular consequence: splice acceptor variant.
Genome position (GRCh38, 1-based): chr2:199,349,175, T>C on the plus strand (A>G on the coding strand, the complement: SATB2 is on the minus strand). VCF-style: chr2-199349175-T-C. GRCh37 (hg19) VCF-style: chr2-200213898-T-C.
Other names: c.701-2A>G (NM_001172517.1, NM_015265.4).
Identifiers: ClinVar variation 3382843 (VCV003382843.2).

ClinVar aggregate classification (germline): Pathogenic (1 of 4 stars; one submission).

Conditions:
Chromosome 2q32-q33 deletion syndrome (GLASS). Also called: 2q33.1 deletion syndrome; Glass syndrome. Identifiers: Orphanet 251019, MedGen C2676739, MONDO:0012864, OMIM 612313.

Submission:

Juno Genomics, Hangzhou Juno Genomics, Inc
Classification: Pathogenic for Chromosome 2q32-q33 deletion syndrome. Review status: criteria provided, single submitter. Criteria: ACMG Guidelines, 2015. Collection method: clinical testing. Allele origin: germline. Affected: yes.
Comment: Absent from controls (or at extremely low frequency if recessive) in Genome Aggregation Database, Exome Sequencing Project, 1000 Genomes Project, or Exome Aggregation Consortium.;De novo (both maternity and paternity confirmed) in a patient with the disease and no family history.;Null variant in a gene where loss of function (LOF) is a known mechanism of disease.